The following is an entry in ClinVar:

ClinVar aggregate classification (germline): Uncertain significance. Review status: criteria provided, multiple submitters, no conflicts (2 of 4 stars). 3 submissions from 3 submitters: Uncertain significance (3). Last evaluated 2026-02-03.

Conditions:
Facial dysmorphism-immunodeficiency-livedo-short stature syndrome. Also called: Facial dysmorphism, immunodeficiency, livedo, and short stature; FILS syndrome. Identifiers: Orphanet 352712, MedGen C3554576, MONDO:0014058, OMIM 615139.
Colorectal cancer, susceptibility to, 12 (CRCS12). Also called: COLORECTAL CANCER, SUSCEPTIBILITY TO, ON CHROMOSOME 12q24. Identifiers: Orphanet 220460, MedGen C3554460, MONDO:0014038, OMIM 615083.
Intrauterine growth retardation, metaphyseal dysplasia, adrenal hypoplasia congenita, genital anomalies, and immunodeficiency. Also called: IMAGEI SYNDROME. Identifiers: MedGen C5193036, MONDO:0032684, OMIM 618336.
Hereditary cancer-predisposing syndrome. Also called: Hereditary Cancer Syndrome; Hereditary neoplastic syndrome; Neoplastic Syndromes, Hereditary; Tumor predisposition. Identifiers: Orphanet 140162, MedGen C0027672, MeSH D009386, MONDO:0015356.

Allele frequency attached by ClinVar (database versions not stated): gnomAD 0.00001; gnomAD exomes 0.00001 and 0.00002; TOPMed 0.00001; ExAC 0.00002.
gnomAD v4.1: 9 of 1,613,852 alleles (0.00056%); highest among the groups gnomAD compares: East Asian, 0.02%; no homozygotes.

Submissions (3):

Labcorp Genetics (formerly Invitae), Labcorp
Classification: Uncertain significance. Last evaluated: 2026-02-03. Review status: criteria provided, single submitter. Criteria: Invitae Variant Classification Sherloc (09022015). Collection method: clinical testing. Allele origin: germline.
Comment: This sequence change replaces lysine, which is basic and polar, with arginine, which is basic and polar, at codon 2106 of the POLE protein (p.Lys2106Arg). This variant is present in population databases (rs762471347, gnomAD 0.02%). This variant has not been reported in the literature in individuals affected with POLE-related conditions. ClinVar contains an entry for this variant (Variation ID: 405700). Invitae Evidence Modeling of protein sequence and biophysical properties (such as structural, functional, and spatial information, amino acid conservation, physicochemical variation, residue mobility, and thermodynamic stability) indicates that this missense variant is not expected to disrupt POLE protein function with a negative predictive value of 80%. In summary, the available evidence is currently insufficient to determine the role of this variant in disease. Therefore, it has been classified as a Variant of Uncertain Significance.

Ambry Genetics
Classification: Uncertain significance for Hereditary cancer-predisposing syndrome. Last evaluated: 2025-01-21. Review status: criteria provided, single submitter. Criteria: Ambry Variant Classification Scheme 2023. Collection method: clinical testing. Allele origin: germline.
Comment: The p.K2106R variant (also known as c.6317A>G), located in coding exon 45 of the POLE gene, results from an A to G substitution at nucleotide position 6317. The lysine at codon 2106 is replaced by arginine, an amino acid with highly similar properties. This amino acid position is conserved. In addition, the in silico prediction for this alteration is inconclusive. Based on the available evidence, the clinical significance of this variant remains unclear.

Department of Pathology and Laboratory Medicine, Sinai Health System
Classification: Uncertain significance for Colorectal cancer, susceptibility to, 12; Facial dysmorphism-immunodeficiency-livedo-short stature syndrome; Intrauterine growth retardation, metaphyseal dysplasia, adrenal hypoplasia congenita, genital anomalies, and immunodeficiency. Last evaluated: 2024-12-11. Review status: criteria provided, single submitter. Criteria: ACMG Guidelines, 2015. Collection method: clinical testing. Allele origin: germline.

NM_006231.4(POLE):c.6317A>G (p.Lys2106Arg)

Gene: POLE (DNA polymerase epsilon, catalytic subunit; minus strand). Cytogenetic location: 12q24.33.
Variant type: single nucleotide variant.
Coding change: c.6317A>G on transcript NM_006231.4 (MANE Select); coding-DNA position 6317, A replaced by G.
Protein change: p.Lys2106Arg; replaces lysine 2106 with arginine.
Molecular consequence: missense variant.
Genome position (GRCh38, 1-based): chr12:132,632,328, T>C on the plus strand (A>G on the coding strand, the complement: POLE is on the minus strand). VCF-style: chr12-132632328-T-C. GRCh37 (hg19) VCF-style: chr12-133208914-T-C.
Other names: short protein forms K2106R.
Identifiers: ClinVar variation 405700 (VCV000405700.18), dbSNP rs762471347, ClinGen allele CA6892231.
Genomic context (GRCh38, chr12:132,632,328, plus strand): 5'-ACATGTACGTTAGTGTCCTCTCCTCACACGCACGCTGGCACTCTCACCTTGCACACGTAT[T>C]TGATGAACTCCAGGGCAGGGTTATTGAGCAGCAAGTGGGAACCGGGGAGGACAGGAAACA-3'
Protein context (NP_006222.2, residues 2096-2116): LLNNPALEFI[Lys2106Arg]YVCKVLSLDT